The following is an entry in ClinVar:

ClinVar aggregate classification (germline): Uncertain significance (1 of 4 stars; one submission).

Conditions:
Multiple congenital anomalies-hypotonia-seizures syndrome 1 (MCAHS1). Also called: GLYCOSYLPHOSPHATIDYLINOSITOL BIOSYNTHESIS DEFECT 3; PIGN-CDG; Congenital disorder of glycosylation due to PIGN deficiency. Identifiers: Orphanet 280633, MedGen C3279775, MONDO:0013563, OMIM 614080.

Allele frequency attached by ClinVar (database versions not stated): gnomAD exomes below 0.00001; TOPMed below 0.00001.
gnomAD v4.1: 1 of 1,470,582 alleles (0.000068%); highest among the groups gnomAD compares: African/African-American, 0.0014%; no homozygotes.

Submission:

Labcorp Genetics (formerly Invitae), Labcorp
Classification: Uncertain significance for Multiple congenital anomalies-hypotonia-seizures syndrome 1. Last evaluated: 2020-12-28. Review status: criteria provided, single submitter. Criteria: Invitae Variant Classification Sherloc (09022015). Collection method: clinical testing. Allele origin: germline.
Comment: This sequence change falls in intron 11 of the PIGN gene. It does not directly change the encoded amino acid sequence of the PIGN protein. It affects a nucleotide within the consensus splice site of the intron. This variant is not present in population databases (ExAC no frequency). This variant has not been reported in the literature in individuals with PIGN-related conditions. Nucleotide substitutions within the consensus splice site are a relatively common cause of aberrant splicing (PMID: 17576681, 9536098). Algorithms developed to predict the effect of sequence changes on RNA splicing suggest that this variant may disrupt the consensus splice site, but this prediction has not been confirmed by published transcriptional studies. In summary, the available evidence is currently insufficient to determine the role of this variant in disease. Therefore, it has been classified as a Variant of Uncertain Significance.

Literature cited by the submitters: PubMed 17576681; PubMed 9536098.

NM_176787.5(PIGN):c.963+5C>T

Gene: PIGN (phosphatidylinositol glycan anchor biosynthesis class N; minus strand). Cytogenetic location: 18q21.33.
Variant type: single nucleotide variant.
Coding change: c.963+5C>T on transcript NM_176787.5 (MANE Select); 5 bases into the intron after coding-DNA position 963, C replaced by T.
Molecular consequence: intron variant.
Genome position (GRCh38, 1-based): chr18:62,143,301, G>A on the plus strand (C>T on the coding strand, the complement: PIGN is on the minus strand). VCF-style: chr18-62143301-G-A. GRCh37 (hg19) VCF-style: chr18-59810534-G-A.
Other names: c.963+5C>T (NM_012327.6).
Identifiers: ClinVar variation 1402646 (VCV001402646.3), dbSNP rs2036202111, ClinGen allele CA2308194087.